The following is an entry in ClinVar:

NM_012281.3(KCND2):c.19G>A (p.Ala7Thr)

Gene: KCND2 (potassium voltage-gated channel subfamily D member 2; plus strand). Cytogenetic location: 7q31.31.
Variant type: single nucleotide variant.
Coding change: c.19G>A on transcript NM_012281.3 (MANE Select); coding-DNA position 19, G replaced by A.
Protein change: p.Ala7Thr; replaces alanine 7 with threonine.
Molecular consequence: missense variant.
Genome position (GRCh38, 1-based): chr7:120,274,651, G>A. VCF-style: chr7-120274651-G-A. GRCh37 (hg19) VCF-style: chr7-119914705-G-A.
Other names: short protein forms A7T.
Identifiers: ClinVar variation 1440476 (VCV001440476.6), dbSNP rs2116241765, ClinGen allele CA369130658.

ClinVar aggregate classification (germline): Uncertain significance (1 of 4 stars; one submission).

Conditions:
Early Myoclonic Encephalopathy. Identifiers: MedGen C0270855.

Allele frequency attached by ClinVar (database versions not stated): gnomAD exomes below 0.00001.

Submission:

Labcorp Genetics (formerly Invitae), Labcorp
Classification: Uncertain significance for Early Myoclonic Encephalopathy. Last evaluated: 2024-10-22. Review status: criteria provided, single submitter. Criteria: Invitae Variant Classification Sherloc (09022015). Collection method: clinical testing. Allele origin: germline.
Comment: This sequence change replaces alanine, which is neutral and non-polar, with threonine, which is neutral and polar, at codon 7 of the KCND2 protein (p.Ala7Thr). This variant is not present in population databases (gnomAD no frequency). This variant has not been reported in the literature in individuals affected with KCND2-related conditions. ClinVar contains an entry for this variant (Variation ID: 1440476). Invitae Evidence Modeling of protein sequence and biophysical properties (such as structural, functional, and spatial information, amino acid conservation, physicochemical variation, residue mobility, and thermodynamic stability) indicates that this missense variant is not expected to disrupt KCND2 protein function with a negative predictive value of 95%. In summary, the available evidence is currently insufficient to determine the role of this variant in disease. Therefore, it has been classified as a Variant of Uncertain Significance.